The following is an entry in ClinVar:

ClinVar aggregate classification (germline): Benign (1 of 4 stars; one submission).

Allele frequency attached by ClinVar (database versions not stated): TOPMed 0.36379; gnomAD 0.37204 and 0.37331; 1000 Genomes Project 0.37298; 1000 Genomes Project 30x 0.37523.
gnomAD v4.1: 35,689 of 95,535 alleles (37%); highest among the groups gnomAD compares: Middle Eastern, 49%; 5,322 homozygotes.

Submission:

GeneDx
Classification: Benign. Last evaluated: 2018-06-18. Review status: criteria provided, single submitter. Criteria: GeneDx Variant Classification (06012015). Collection method: clinical testing. Allele origin: germline. Affected: yes.
Comment: This variant is considered likely benign or benign based on one or more of the following criteria: it is a conservative change, it occurs at a poorly conserved position in the protein, it is predicted to be benign by multiple in silico algorithms, and/or has population frequency not consistent with disease.

NM_002294.3(LAMP2):c.929-293T>C

Gene: LAMP2 (lysosomal associated membrane protein 2; minus strand). Cytogenetic location: Xq24.
Variant type: single nucleotide variant.
Coding change: c.929-293T>C on transcript NM_002294.3 (MANE Select); 293 bases into the intron before coding-DNA position 929, T replaced by C.
Molecular consequence: intron variant.
Genome position (GRCh38, 1-based): chrX:120,442,187, A>G on the plus strand (T>C on the coding strand, the complement: LAMP2 is on the minus strand). VCF-style: chrX-120442187-A-G. GRCh37 (hg19) VCF-style: chrX-119576042-A-G.
Other names: c.929-293T>C (NM_001122606.1, NM_013995.2).
Identifiers: ClinVar variation 683602 (VCV000683602.1), dbSNP rs7889047, ClinGen allele CA335013134.